The following is an entry in ClinVar:

NM_001267550.2(TTN):c.90825del (p.Cys30276fs)

Genes: TTN (titin; minus strand), TTN-AS1 (TTN antisense RNA 1; plus strand). Cytogenetic location: 2q31.2.
Variant type: Deletion.
Coding change: c.90825del on transcript NM_001267550.2 (MANE Select); coding-DNA position 90825, one base deleted (G; older notation c.90825delG).
Protein change: p.Cys30276fs; shifts the reading frame from cysteine 30276.
Molecular consequence: frameshift variant.
Genome position (GRCh38, 1-based): chr2:178,552,075, C deleted on the plus strand (G on the coding strand, the reverse complement: TTN is on the minus strand). VCF-style (leftmost placement, unchanged base first): chr2-178552074-AC-A. GRCh37 (hg19) VCF-style: chr2-179416801-AC-A.
Other names: c.85902del, p.Cys28635fs (NM_001256850.1); c.63630del, p.Cys21211fs (NM_003319.4); c.83121del, p.Cys27708fs (NM_133378.4); c.64005del, p.Cys21336fs (NM_133432.3); c.64206del, p.Cys21403fs (NM_133437.4); c.63630delG (NM_003319.4); short protein forms C27708fs, C30276fs, C21403fs, C21211fs, C21336fs, C28635fs.
Identifiers: ClinVar variation 3464249 (VCV003464249.1).

ClinVar aggregate classification (germline): Likely pathogenic (1 of 4 stars; one submission).

Conditions:
Cardiovascular phenotype. Identifiers: MedGen CN230736.

Submission:

Ambry Genetics
Classification: Likely pathogenic for Cardiovascular phenotype. Last evaluated: 2024-12-03. Review status: criteria provided, single submitter. Criteria: Ambry Variant Classification Scheme 2023. Collection method: clinical testing. Allele origin: germline.
Comment: The c.63630delG variant, located in coding exon 162 of the TTN gene, results from a deletion of one nucleotide at nucleotide position 63630, causing a translational frameshift with a predicted alternate stop codon (p.C21211Vfs*14). This exon is located in the A-band region of the N2-B isoform of the titin protein and is constitutively expressed in TTN transcripts (percent spliced in or PSI 100%). This variant is considered to be rare based on population cohorts in the Genome Aggregation Database (gnomAD). This alteration is expected to result in loss of function by premature protein truncation or nonsense-mediated mRNA decay. While truncating variants in TTN are present in 1-3% of the general population, truncating variants in the A-band are the most common cause of dilated cardiomyopathy (DCM) (Herman DS et al. N. Engl. J. Med., 2012 Feb;366:619-28; Roberts AM et al. Sci Transl Med, 2015 Jan;7:270ra6). TTN truncating variants encoded in constitutive exons (PSI >90%) have been found to be significantly associated with DCM regardless of their position in titin (Schafer S et al. Nat. Genet., 2017 01;49:46-53). Based on the majority of available evidence to date, this variant is likely to be pathogenic.